The following is an entry in ClinVar:

ClinVar aggregate classification (germline): Likely pathogenic (1 of 4 stars; one submission).

Conditions:
Dilated cardiomyopathy 1G (CMD1G). Identifiers: Orphanet 154, MedGen C1858763, MONDO:0011400, OMIM 604145.
Autosomal recessive limb-girdle muscular dystrophy type 2J (LGMDR10). Also called: Limb-girdle muscular dystrophy, type 2J; MUSCULAR DYSTROPHY, LIMB-GIRDLE, AUTOSOMAL RECESSIVE 10. Identifiers: Orphanet 140922, MedGen C1837342, MONDO:0012127, OMIM 608807.

Submission:

Labcorp Genetics (formerly Invitae), Labcorp
Classification: Likely pathogenic for Dilated cardiomyopathy 1G; Autosomal recessive limb-girdle muscular dystrophy type 2J. Last evaluated: 2024-10-18. Review status: criteria provided, single submitter. Criteria: Invitae Variant Classification Sherloc (09022015). Collection method: clinical testing. Allele origin: germline.
Comment: This sequence change creates a premature translational stop signal (p.Leu9490Glnfs*18) in the TTN gene. While this is not anticipated to result in nonsense mediated decay, it is expected to create a truncated TTN protein. This variant is not present in population databases (gnomAD no frequency). This variant has not been reported in the literature in individuals affected with TTN-related conditions. This variant is located in the I band of TTN (PMID: 25589632). Truncating variants in this region have been reported in individuals affected with autosomal recessive centronuclear myopathy (PMID: 23975875, internal data). Truncating variants in this region have also been identified in individuals affected with autosomal dominant dilated cardiomyopathy and/or cardio-related conditions (PMID: 27869827, 32964742, internal data). In summary, the currently available evidence indicates that the variant is pathogenic, but additional data are needed to prove that conclusively. Therefore, this variant has been classified as Likely Pathogenic.

Literature cited by the submitters: PubMed 25589632; PubMed 23975875; PubMed 27869827; PubMed 32964742.

NM_001267550.2(TTN):c.28469_28488del (p.Leu9490fs)

Gene: TTN (titin; minus strand). Cytogenetic location: 2q31.2.
Variant type: Deletion.
Coding change: c.28469_28488del on transcript NM_001267550.2 (MANE Select); coding-DNA positions 28469 to 28488, 20 bases deleted (TCATCCCACCAAGTTTCACT).
Protein change: p.Leu9490fs; shifts the reading frame from leucine 9490.
Molecular consequence: frameshift variant. On other transcripts: intron variant (3).
Genome position (GRCh38, 1-based): chr2:178,709,831-178,709,850, AGTGAAACTTGGTGGGATGA deleted on the plus strand (TCATCCCACCAAGTTTCACT on the coding strand, the reverse complement: TTN is on the minus strand). VCF-style (leftmost placement, unchanged base first): chr2-178709830-TAGTGAAACTTGGTGGGATGA-T. GRCh37 (hg19) VCF-style: chr2-179574557-TAGTGAAACTTGGTGGGATGA-T.
Other names: c.27518_27537del, p.Leu9173fs (NM_001256850.1); c.24737_24756del, p.Leu8246fs (NM_133378.4); c.13282+28232_13282+28251del (NM_003319.4); c.13858+28232_13858+28251del (NM_133437.4); c.13657+28232_13657+28251del (NM_133432.3); short protein forms L8246fs, L9173fs, L9490fs.
Identifiers: ClinVar variation 2946585 (VCV002946585.3), dbSNP rs2475578699, ClinGen allele CA2740096246.
Genomic context (GRCh38, chr2:178,709,830, plus strand): 5'-CACGTCCCTCAAGTTTGAAAGAATTCCCTTCTGTTTCTTCTACTGTCTCTGAGAGTCTTT[TAGTGAAACTTGGTGGGATGA>T]GCCGCTCTATAAGAAATTGCAAGGATATATGAAGTAGAAGCTAGAAGCAGATTACTAATA-3'